The following is an entry in ClinVar:

NC_000023.10:g.(?_19554535)_(19587326_?)dup

Gene: SH3KBP1 (SH3 domain containing kinase binding protein 1; minus strand). Cytogenetic location: Xp22.12.
Variant type: Duplication.
Identifiers: ClinVar variation 1389751 (VCV001389751.5).

ClinVar aggregate classification (germline): Uncertain significance (1 of 4 stars; one submission).

Submission:

Labcorp Genetics (formerly Invitae), Labcorp
Classification: Uncertain significance. Last evaluated: 2023-09-07. Review status: criteria provided, single submitter. Criteria: Invitae Variant Classification Sherloc (09022015). Collection method: clinical testing. Allele origin: germline.
Comment: In summary, the available evidence is currently insufficient to determine the role of this variant in disease. Therefore, it has been classified as a Variant of Uncertain Significance. Experimental studies and prediction algorithms are not available or were not evaluated, and the functional significance of this variant is currently unknown. This variant has not been reported in the literature in individuals affected with SH3KBP1-related conditions. This variant results in a copy number gain of the genomic region encompassing exon(s) 13-18 of the SH3KBP1 gene. This region includes the termination codon of the gene. This copy number gain extends beyond the assayed region for this gene and therefore may encompass additional genes. As the precise location of this event is unknown, it may be in tandem or it may be located elsewhere in the genome.